The following is an entry in ClinVar:

ClinVar aggregate classification (germline): Pathogenic (1 of 4 stars; one submission).

Submission:

Labcorp Genetics (formerly Invitae), Labcorp
Classification: Pathogenic. Last evaluated: 2022-03-24. Review status: criteria provided, single submitter. Criteria: Invitae Variant Classification Sherloc (09022015). Collection method: clinical testing. Allele origin: germline.
Comment: For these reasons, this variant has been classified as Pathogenic. This variant has not been reported in the literature in individuals affected with DOCK6-related conditions. This variant is not present in population databases (gnomAD no frequency). This sequence change creates a premature translational stop signal (p.Arg429Profs*12) in the DOCK6 gene. It is expected to result in an absent or disrupted protein product. Loss-of-function variants in DOCK6 are known to be pathogenic (PMID: 21820096, 25824905).

Literature cited by the submitters: PubMed 21820096; PubMed 25824905.

NM_020812.4(DOCK6):c.1282_1285dup (p.Arg429fs)

Gene: DOCK6 (dedicator of cytokinesis 6; minus strand). Cytogenetic location: 19p13.2.
Variant type: Duplication.
Coding change: c.1282_1285dup on transcript NM_020812.4 (MANE Select); coding-DNA positions 1282 to 1285, 4 bases duplicated (CGCC; older notation c.1282_1285dupCGCC).
Protein change: p.Arg429fs; shifts the reading frame from arginine 429.
Molecular consequence: frameshift variant.
Genome position (GRCh38, 1-based): chr19:11,243,359-11,243,362, GGCG duplicated on the plus strand (CGCC on the coding strand, the reverse complement: DOCK6 is on the minus strand); duplicating any 4 consecutive bases within chr19:11,243,359-11,243,363 gives the same sequence; the c. name uses the placement nearest the transcript's 3' end. VCF-style (leftmost placement, unchanged base first): chr19-11243358-C-CGGCG. GRCh37 (hg19) VCF-style: chr19-11354034-C-CGGCG.
Other names: c.1282_1285dup, p.Arg429fs (NM_001367830.1); short protein forms R429fs.
Identifiers: ClinVar variation 2108027 (VCV002108027.4), dbSNP rs2513156379, ClinGen allele CA2580096420.